The following is an entry in ClinVar:

NM_001127208.3(TET2):c.3269del (p.Lys1090fs)

Genes: TET2-AS1 (TET2 antisense RNA 1; minus strand), TET2 (tet methylcytosine dioxygenase 2; plus strand). Cytogenetic location: 4q24.
Variant type: Deletion.
Coding change: c.3269del on transcript NM_001127208.3 (MANE Select); coding-DNA position 3269, one base deleted (A; older notation c.3269delA).
Protein change: p.Lys1090fs; shifts the reading frame from lysine 1090.
Molecular consequence: frameshift variant.
Genome position (GRCh38, 1-based): chr4:105,237,211, A deleted; the last of 4 consecutive A bases (chr4:105,237,208-105,237,211); deleting any one gives the same sequence. VCF-style (leftmost placement, unchanged base first): chr4-105237207-GA-G. GRCh37 (hg19) VCF-style: chr4-106158364-GA-G.
Other names: c.3269del, p.Lys1090fs (NM_017628.4); short protein forms K1090fs.
Identifiers: ClinVar variation 2830575 (VCV002830575.3), dbSNP rs2476509908, ClinGen allele CA440813568.
Genomic context (GRCh38, chr4:105,237,207, plus strand): 5'-ACCACTGCTGCAGAACTTGATAGCCACACCCCAGCTTTAGAGCAGCAAACAACTTCTTCA[GA>G]AAAGACACCAACCAAAAGAACAGCTGCTTCTGTTCTCAATAATTTTATAGAGTCACCTTC-3'

ClinVar aggregate classification (germline): Uncertain significance (1 of 4 stars; one submission).

Submission:

Labcorp Genetics (formerly Invitae), Labcorp
Classification: Uncertain significance. Last evaluated: 2023-01-20. Review status: criteria provided, single submitter. Criteria: Invitae Variant Classification Sherloc (09022015). Collection method: clinical testing. Allele origin: germline.
Comment: This variant has not been reported in the literature in individuals affected with TET2-related conditions. In summary, the available evidence is currently insufficient to determine the role of this variant in disease. Therefore, it has been classified as a Variant of Uncertain Significance. This variant is not present in population databases (gnomAD no frequency). This sequence change creates a premature translational stop signal (p.Lys1090Argfs*16) in the TET2 gene. It is expected to result in an absent or disrupted protein product. However, the current clinical and genetic evidence is not sufficient to establish whether loss-of-function variants in TET2 cause disease.